The following is an entry in ClinVar:

ClinVar aggregate classification (germline): Uncertain significance (1 of 4 stars; one submission).

Conditions:
Rhabdoid tumor predisposition syndrome 2 (RTPS2). Identifiers: Orphanet 231108, Orphanet 69077, MedGen C2750074, MONDO:0013224, OMIM 613325.

Submission:

Labcorp Genetics (formerly Invitae), Labcorp
Classification: Uncertain significance for Rhabdoid tumor predisposition syndrome 2. Last evaluated: 2024-03-04. Review status: criteria provided, single submitter. Criteria: Invitae Variant Classification Sherloc (09022015). Collection method: clinical testing. Allele origin: germline.
Comment: This sequence change falls in intron 20 of the SMARCA4 gene. It does not directly change the encoded amino acid sequence of the SMARCA4 protein. It affects a nucleotide within the consensus splice site. This variant is not present in population databases (gnomAD no frequency). This variant has not been reported in the literature in individuals affected with SMARCA4-related conditions. ClinVar contains an entry for this variant (Variation ID: 2073867). Variants that disrupt the consensus splice site are a relatively common cause of aberrant splicing (PMID: 17576681, 9536098). Algorithms developed to predict the effect of sequence changes on RNA splicing suggest that this variant is not likely to affect RNA splicing. In summary, the available evidence is currently insufficient to determine the role of this variant in disease. Therefore, it has been classified as a Variant of Uncertain Significance.

Literature cited by the submitters: PubMed 17576681; PubMed 9536098.

NM_003072.5(SMARCA4):c.2973+6G>A

Gene: SMARCA4 (SWI/SNF related BAF chromatin remodeling complex subunit ATPase 4; plus strand). Cytogenetic location: 19p13.2.
Variant type: single nucleotide variant.
Coding change: c.2973+6G>A on transcript NM_003072.5 (MANE Select); 6 bases into the intron after coding-DNA position 2973, G replaced by A.
Molecular consequence: intron variant.
Genome position (GRCh38, 1-based): chr19:11,023,637, G>A. VCF-style: chr19-11023637-G-A. GRCh37 (hg19) VCF-style: chr19-11134313-G-A.
Other names: c.2973+6G>A (NM_001128844.3, NM_001128849.3, NM_001128847.4 and 5 more transcripts).
Identifiers: ClinVar variation 2073867 (VCV002073867.4), dbSNP rs2146456168, ClinGen allele CA2580096320.
Genomic context (GRCh38, chr19:11,023,637, plus strand): 5'-GCCCTTCTTGCTCCGACGACTCAAGAAGGAAGTCGAGGCCCAGTTGCCCGAAAAGGTGAT[G>A]GAGTTTTGAGGGGAGCCACCAGTGAAGCAGCCTCACGTGGGGGCTTTCTCCAGGGCTGGG-3'